The following is an entry in ClinVar:

NM_000631.5(NCF4):c.758+39T>C

Gene: NCF4 (neutrophil cytosolic factor 4; plus strand). Cytogenetic location: 22q12.3.
Variant type: single nucleotide variant.
Coding change: c.758+39T>C on transcript NM_000631.5 (MANE Select); 39 bases into the intron after coding-DNA position 758, T replaced by C.
Molecular consequence: intron variant. On other transcripts: missense variant (1).
Genome position (GRCh38, 1-based): chr22:36,875,822, T>C. VCF-style: chr22-36875822-T-C. GRCh37 (hg19) VCF-style: chr22-37271864-T-C.
Other names: c.797T>C, p.Leu266Pro (NM_013416.4); short protein forms L266P.
Identifiers: ClinVar variation 2195220 (VCV002195220.1), dbSNP rs532148733, ClinGen allele CA10213163.

ClinVar aggregate classification (germline): Uncertain significance (1 of 4 stars; one submission).

Conditions:
Granulomatous disease, chronic, autosomal recessive, cytochrome b-positive, type 3. Also called: Granulomatous disease, chronic, autosomal recessive, cytochrome b-positive, type III; GRANULOMATOUS DISEASE, CHRONIC, DUE TO NCF4 DEFICIENCY; GRANULOMATOUS DISEASE, CHRONIC, AUTOSOMAL RECESSIVE, 3; CGD, AUTOSOMAL RECESSIVE CYTOCHROME b-POSITIVE, TYPE III. Identifiers: Orphanet 379, MedGen C3151409, MONDO:0013507, OMIM 613960.

Allele frequency attached by ClinVar (database versions not stated): ExAC 0.00007; 1000 Genomes Project 0.00040; 1000 Genomes Project 30x 0.00078.
gnomAD v4.1: 66 of 1,614,104 alleles (0.0041%); highest among the groups gnomAD compares: South Asian, 0.069%; no homozygotes.

Submission:

Labcorp Genetics (formerly Invitae), Labcorp
Classification: Uncertain significance for Granulomatous disease, chronic, autosomal recessive, cytochrome b-positive, type 3. Last evaluated: 2022-01-21. Review status: criteria provided, single submitter. Criteria: Invitae Variant Classification Sherloc (09022015). Collection method: clinical testing. Allele origin: germline.
Comment: This sequence change replaces leucine, which is neutral and non-polar, with proline, which is neutral and non-polar, at codon 266 of the NCF4 protein (p.Leu266Pro). This variant is present in population databases (rs532148733, gnomAD 0.06%). This variant has not been reported in the literature in individuals affected with NCF4-related conditions. Algorithms developed to predict the effect of missense changes on protein structure and function (SIFT, PolyPhen-2, Align-GVGD) all suggest that this variant is likely to be tolerated. In summary, the available evidence is currently insufficient to determine the role of this variant in disease. Therefore, it has been classified as a Variant of Uncertain Significance.